The following is an entry in ClinVar:

ClinVar aggregate classification (germline): Uncertain significance. Review status: criteria provided, multiple submitters, no conflicts (2 of 4 stars). 2 submissions from 2 submitters: Uncertain significance (2). Last evaluated 2021-08-14.

Conditions:
Kabuki syndrome. Also called: Kabuki make-up syndrome; NIIKAWA-KUROKI SYNDROME. Identifiers: Orphanet 2322, MedGen C0796004, MONDO:0016512.

Allele frequency attached by ClinVar (database versions not stated): gnomAD exomes below 0.00001; TOPMed 0.00003; gnomAD 0.00005.
gnomAD v4.1: 8 of 1,557,414 alleles (0.00051%); highest among the groups gnomAD compares: African/African-American, 0.011%; no homozygotes.

Submissions (2):

Labcorp Genetics (formerly Invitae), Labcorp
Classification: Uncertain significance for Kabuki syndrome. Last evaluated: 2021-08-14. Review status: criteria provided, single submitter. Criteria: Invitae Variant Classification Sherloc (09022015). Collection method: clinical testing. Allele origin: germline.
Comment: In summary, the available evidence is currently insufficient to determine the role of this variant in disease. Therefore, it has been classified as a Variant of Uncertain Significance. Advanced modeling of protein sequence and biophysical properties (such as structural, functional, and spatial information, amino acid conservation, physicochemical variation, residue mobility, and thermodynamic stability) performed at Invitae indicates that this missense variant is not expected to disrupt KMT2D protein function. This variant has not been reported in the literature in individuals affected with KMT2D-related conditions. The frequency data for this variant in the population databases is considered unreliable, as metrics indicate poor data quality at this position in the ExAC database. This sequence change replaces threonine with isoleucine at codon 2840 of the KMT2D protein (p.Thr2840Ile). The threonine residue is moderately conserved and there is a moderate physicochemical difference between threonine and isoleucine.

GeneDx
Classification: Uncertain significance. Last evaluated: 2019-03-28. Review status: criteria provided, single submitter. Criteria: GeneDx Variant Classification Process June 2021. Collection method: clinical testing. Allele origin: germline. Affected: yes.
Comment: Has not been previously published as pathogenic or benign to our knowledge; Not observed in large population cohorts (Lek et al., 2016); In silico analysis, which includes protein predictors and evolutionary conservation, supports that this variant does not alter protein structure/function

NM_003482.4(KMT2D):c.8519C>T (p.Thr2840Ile)

Gene: KMT2D (lysine methyltransferase 2D; minus strand). Cytogenetic location: 12q13.12.
Variant type: single nucleotide variant.
Coding change: c.8519C>T on transcript NM_003482.4 (MANE Select); coding-DNA position 8519, C replaced by T.
Protein change: p.Thr2840Ile; replaces threonine 2840 with isoleucine.
Molecular consequence: missense variant.
Genome position (GRCh38, 1-based): chr12:49,038,837, G>A on the plus strand (C>T on the coding strand, the complement: KMT2D is on the minus strand). VCF-style: chr12-49038837-G-A. GRCh37 (hg19) VCF-style: chr12-49432620-G-A.
Other names: short protein forms T2840I.
Identifiers: ClinVar variation 1308269 (VCV001308269.7), dbSNP rs769247460, ClinGen allele CA6546832.